The following is an entry in ClinVar:

NM_000245.4(MET):c.514T>G (p.Cys172Gly)

Gene: MET (MET proto-oncogene, receptor tyrosine kinase; plus strand). Cytogenetic location: 7q31.2.
Variant type: single nucleotide variant.
Coding change: c.514T>G on transcript NM_000245.4 (MANE Select); coding-DNA position 514, T replaced by G.
Protein change: p.Cys172Gly; replaces cysteine 172 with glycine.
Molecular consequence: missense variant. On other transcripts: intron variant (1).
Genome position (GRCh38, 1-based): chr7:116,699,598, T>G. VCF-style: chr7-116699598-T-G. GRCh37 (hg19) VCF-style: chr7-116339652-T-G.
Other names: c.514T>G, p.Cys172Gly (NM_001127500.3, NM_001324401.3); c.-91+27021T>G (NM_001324402.2); short protein forms C172G.
Identifiers: ClinVar variation 3294372 (VCV003294372.1).

ClinVar aggregate classification (germline): Uncertain significance (1 of 4 stars; one submission).

Conditions:
Hereditary cancer-predisposing syndrome. Also called: Tumor predisposition; Hereditary Cancer Syndrome; Hereditary neoplastic syndrome; Neoplastic Syndromes, Hereditary. Identifiers: Orphanet 140162, MedGen C0027672, MeSH D009386, MONDO:0015356.

Submission:

Ambry Genetics
Classification: Uncertain significance for Hereditary cancer-predisposing syndrome. Last evaluated: 2024-05-29. Review status: criteria provided, single submitter. Criteria: Ambry Variant Classification Scheme 2023. Collection method: clinical testing. Allele origin: germline.
Comment: The p.C172G variant (also known as c.514T>G), located in coding exon 1 of the MET gene, results from a T to G substitution at nucleotide position 514. The cysteine at codon 172 is replaced by glycine, an amino acid with highly dissimilar properties. This amino acid position is conserved. In addition, the in silico prediction for this alteration is inconclusive. Based on the available evidence, the clinical significance of this variant remains unclear.